The following is an entry in ClinVar:

ClinVar aggregate classification (germline): Conflicting classifications of pathogenicity. Review status: criteria provided, conflicting classifications (1 of 4 stars). 4 submissions from 4 submitters: Uncertain significance (1); Likely benign (3). Last evaluated 2026-01-31.

Conditions:
Nemaline myopathy 2 (NEM2). Also called: Nemaline myopathy 2, autosomal recessive. Identifiers: MedGen C1850569, MONDO:0009725, OMIM 256030.

Allele frequency attached by ClinVar (database versions not stated): ExAC below 0.00001; gnomAD 0.00004; TOPMed 0.00005; gnomAD exomes 0.00008.
gnomAD v4.1: 119 of 1,597,238 alleles (0.0075%); highest among the groups gnomAD compares: African/African-American, 0.011%; no homozygotes.

Submissions (4):

Labcorp Genetics (formerly Invitae), Labcorp
Classification: Likely benign for Nemaline myopathy 2. Last evaluated: 2026-01-31. Review status: criteria provided, single submitter. Criteria: Invitae Variant Classification Sherloc (09022015). Collection method: clinical testing. Allele origin: germline.

CeGaT Center for Human Genetics Tuebingen
Classification: Likely benign. Last evaluated: 2024-09-01. Review status: criteria provided, single submitter. Criteria: CeGaT Center For Human Genetics Tuebingen Variant Classification Criteria Version 2. Collection method: clinical testing. Allele origin: germline. Affected: yes. Observed: 2 variant alleles.
Comment: NEB: BP4, BP7

Blueprint Genetics
Classification: Likely benign. Last evaluated: 2024-07-04. Review status: criteria provided, single submitter. Criteria: ACMG Guidelines, 2015. Collection method: clinical testing. Allele origin: germline.

Illumina Laboratory Services, Illumina
Classification: Uncertain significance for Nemaline myopathy 2. Last evaluated: 2018-01-12. Review status: criteria provided, single submitter. Criteria: ICSL Variant Classification Criteria 13 December 2019. Collection method: clinical testing. Allele origin: germline.

NM_001164508.2(NEB):c.2250G>A (p.Thr750=)

Gene: NEB (nebulin; minus strand). Cytogenetic location: 2q23.3.
Variant type: single nucleotide variant.
Coding change: c.2250G>A on transcript NM_001164508.2 (MANE Select); coding-DNA position 2250, G replaced by A.
Protein change: p.Thr750=; no amino-acid change (threonine 750 retained).
Molecular consequence: synonymous variant.
Genome position (GRCh38, 1-based): chr2:151,690,787, C>T on the plus strand (G>A on the coding strand, the complement: NEB is on the minus strand). VCF-style: chr2-151690787-C-T. GRCh37 (hg19) VCF-style: chr2-152547301-C-T.
Other names: c.2250G>A, p.Thr750= (NM_001164507.2, NM_001271208.2, NM_004543.5).
Identifiers: ClinVar variation 331528 (VCV000331528.37), dbSNP rs753965951, ClinGen allele CA1911282.